The following is an entry in ClinVar:

ClinVar aggregate classification (germline): Uncertain significance. Review status: criteria provided, multiple submitters, no conflicts (2 of 4 stars). 2 submissions from 2 submitters: Uncertain significance (2). Last evaluated 2025-08-31.

Conditions:
Catecholaminergic polymorphic ventricular tachycardia 1. Also called: VENTRICULAR TACHYCARDIA, CATECHOLAMINERGIC POLYMORPHIC, 1, WITH OR WITHOUT ATRIAL DYSFUNCTION AND/OR DILATED CARDIOMYOPATHY; RYR2-Related Catecholaminergic Polymorphic Ventricular Tachycardia; VENTRICULAR TACHYCARDIA, STRESS-INDUCED POLYMORPHIC 1. Identifiers: Orphanet 3286, MedGen C1631597, MONDO:0011484, OMIM 604772.
Cardiovascular phenotype. Identifiers: MedGen CN230736.

Allele frequency attached by ClinVar (database versions not stated): TOPMed 0.00002; ExAC 0.00003.
gnomAD v4.1: 13 of 1,609,964 alleles (0.00081%); highest among the groups gnomAD compares: Admixed American, 0.018%; no homozygotes.

Submissions (2):

Ambry Genetics
Classification: Uncertain significance for Cardiovascular phenotype. Last evaluated: 2025-08-31. Review status: criteria provided, single submitter. Criteria: Ambry Variant Classification Scheme 2023. Collection method: clinical testing. Allele origin: germline.
Comment: The p.A666T variant (also known as c.1996G>A), located in coding exon 39 of the TRDN gene, results from a G to A substitution at nucleotide position 1996. The alanine at codon 666 is replaced by threonine, an amino acid with similar properties. This amino acid position is conserved. In addition, this alteration is predicted to be tolerated by in silico analysis. Based on the available evidence, the clinical significance of this variant remains unclear.

Labcorp Genetics (formerly Invitae), Labcorp
Classification: Uncertain significance for Catecholaminergic polymorphic ventricular tachycardia 1. Last evaluated: 2023-07-17. Review status: criteria provided, single submitter. Criteria: Invitae Variant Classification Sherloc (09022015). Collection method: clinical testing. Allele origin: germline.
Comment: This sequence change replaces alanine, which is neutral and non-polar, with threonine, which is neutral and polar, at codon 666 of the TRDN protein (p.Ala666Thr). This variant is present in population databases (rs748450167, gnomAD 0.01%). This variant has not been reported in the literature in individuals affected with TRDN-related conditions. ClinVar contains an entry for this variant (Variation ID: 532359). Algorithms developed to predict the effect of missense changes on protein structure and function output the following: SIFT: "Not Available"; PolyPhen-2: "Benign"; Align-GVGD: "Not Available". The threonine amino acid residue is found in multiple mammalian species, which suggests that this missense change does not adversely affect protein function. In summary, the available evidence is currently insufficient to determine the role of this variant in disease. Therefore, it has been classified as a Variant of Uncertain Significance.

NM_006073.4(TRDN):c.1996G>A (p.Ala666Thr)

Gene: TRDN (triadin; minus strand). Cytogenetic location: 6q22.31.
Variant type: single nucleotide variant.
Coding change: c.1996G>A on transcript NM_006073.4 (MANE Select); coding-DNA position 1996, G replaced by A.
Protein change: p.Ala666Thr; replaces alanine 666 with threonine.
Molecular consequence: missense variant.
Genome position (GRCh38, 1-based): chr6:123,224,111, C>T on the plus strand (G>A on the coding strand, the complement: TRDN is on the minus strand). VCF-style: chr6-123224111-C-T. GRCh37 (hg19) VCF-style: chr6-123545256-C-T.
Other names: c.1996G>A (NM_006073.2); short protein forms A666T.
Identifiers: ClinVar variation 532359 (VCV000532359.10), dbSNP rs748450167, ClinGen allele CA3983645.